The following is an entry in ClinVar:

NM_000278.5(PAX2):c.497T>C (p.Val166Ala)

Gene: PAX2 (paired box 2; plus strand). Cytogenetic location: 10q24.31.
Variant type: single nucleotide variant.
Coding change: c.497T>C on transcript NM_000278.5 (MANE Select); coding-DNA position 497, T replaced by C.
Protein change: p.Val166Ala; replaces valine 166 with alanine.
Molecular consequence: missense variant.
Genome position (GRCh38, 1-based): chr10:100,781,246, T>C. VCF-style: chr10-100781246-T-C. GRCh37 (hg19) VCF-style: chr10-102541003-T-C.
Other names: c.590T>C, p.Val197Ala (NM_001304569.2); c.497T>C, p.Val166Ala (NM_003987.5, NM_003988.5, NM_003989.5 and 1 more transcripts); c.497T>C (NM_003987.3); short protein forms V197A, V166A.
Identifiers: ClinVar variation 1466955 (VCV001466955.7), dbSNP rs764844605, ClinGen allele CA5650749.

ClinVar aggregate classification (germline): Uncertain significance. Review status: criteria provided, multiple submitters, no conflicts (2 of 4 stars). 2 submissions from 2 submitters: Uncertain significance (2). Last evaluated 2025-09-22.

Conditions:
Renal coloboma syndrome (PAPRS). Also called: OPTIC COLOBOMA, VESICOURETERAL REFLUX, AND RENAL ANOMALIES; OPTIC NERVE COLOBOMA WITH RENAL DISEASE; RENAL-COLOBOMA SYNDROME WITH MACULAR ABNORMALITIES; PAPILLORENAL SYNDROME; COLOBOMA OF OPTIC NERVE WITH RENAL DISEASE; CAKUT WITH OR WITHOUT OCULAR ABNORMALITIES. Identifiers: Orphanet 1475, MedGen C1852759, MONDO:0007352, OMIM 120330.
Focal segmental glomerulosclerosis 7 (FSGS7). Identifiers: Orphanet 656, MedGen C4014925, MONDO:0014451, OMIM 616002.
Inborn genetic diseases. Identifiers: MedGen C0950123, MeSH D030342.

Allele frequency attached by ClinVar (database versions not stated): gnomAD exomes below 0.00001; ExAC 0.00001; TOPMed 0.00001.

Submissions (2):

Ambry Genetics
Classification: Uncertain significance for Inborn genetic diseases. Last evaluated: 2025-09-22. Review status: criteria provided, single submitter. Criteria: Ambry Variant Classification Scheme 2023. Collection method: clinical testing. Allele origin: germline.

Labcorp Genetics (formerly Invitae), Labcorp
Classification: Uncertain significance for Renal coloboma syndrome; Focal segmental glomerulosclerosis 7. Last evaluated: 2022-06-13. Review status: criteria provided, single submitter. Criteria: Invitae Variant Classification Sherloc (09022015). Collection method: clinical testing. Allele origin: germline.
Comment: This sequence change replaces valine with alanine at codon 166 of the PAX2 protein (p.Val166Ala). The valine residue is highly conserved and there is a small physicochemical difference between valine and alanine. This variant is present in population databases (rs764844605, gnomAD 0.0009%). This variant has not been reported in the literature in individuals affected with PAX2-related conditions. Experimental studies and prediction algorithms are not available or were not evaluated, and the functional significance of this variant is currently unknown. In summary, the available evidence is currently insufficient to determine the role of this variant in disease. Therefore, it has been classified as a Variant of Uncertain Significance.